The following is an entry in ClinVar:

NM_001042492.3(NF1):c.586+3A>C

Gene: NF1 (neurofibromin 1; plus strand). Cytogenetic location: 17q11.2.
Variant type: single nucleotide variant.
Coding change: c.586+3A>C on transcript NM_001042492.3 (MANE Select); 3 bases into the intron after coding-DNA position 586, A replaced by C.
Molecular consequence: intron variant.
Genome position (GRCh38, 1-based): chr17:31,170,000, A>C. VCF-style: chr17-31170000-A-C. GRCh37 (hg19) VCF-style: chr17-29497018-A-C.
Other names: c.586+3A>C (NM_000267.4, NM_001128147.3).
Identifiers: ClinVar variation 3237849 (VCV003237849.1), dbSNP rs2065905008.

ClinVar aggregate classification (germline): Uncertain significance (1 of 4 stars; one submission).

Conditions:
Hereditary cancer-predisposing syndrome. Also called: Neoplastic Syndromes, Hereditary; Tumor predisposition; Hereditary neoplastic syndrome; Hereditary Cancer Syndrome. Identifiers: Orphanet 140162, MedGen C0027672, MeSH D009386, MONDO:0015356.
Cardiovascular phenotype. Identifiers: MedGen CN230736.

Submission:

Ambry Genetics
Classification: Uncertain significance for Cardiovascular phenotype; Hereditary cancer-predisposing syndrome. Last evaluated: 2023-09-14. Review status: criteria provided, single submitter. Criteria: Ambry Variant Classification Scheme 2023. Collection method: clinical testing. Allele origin: germline.
Comment: The c.586+3A>C intronic variant results from an A to C substitution 3 nucleotides after coding exon 5 in the NF1 gene. This nucleotide position is well conserved in available vertebrate species. In silico splice site analysis predicts that this alteration will weaken the native splice donor site. Since supporting evidence is limited at this time, the clinical significance of this alteration remains unclear.